The following is an entry in ClinVar:

NM_001357.5(DHX9):c.1420C>T (p.Arg474Ter)

Gene: DHX9 (DExH-box helicase 9; plus strand). Cytogenetic location: 1q25.3.
Variant type: single nucleotide variant.
Coding change: c.1420C>T on transcript NM_001357.5 (MANE Select); coding-DNA position 1420, C replaced by T.
Protein change: p.Arg474Ter; replaces arginine 474 with a stop codon.
Molecular consequence: nonsense. On other transcripts: non-coding transcript variant (1).
Genome position (GRCh38, 1-based): chr1:182,866,531, C>T. VCF-style: chr1-182866531-C-T. GRCh37 (hg19) VCF-style: chr1-182835666-C-T.
Other names: short protein forms R474*.
Identifiers: ClinVar variation 3341006 (VCV003341006.2).
Genomic context (GRCh38, chr1:182,866,531, plus strand): 5'-GCAGAGCGAGTTGCATTTGAAAGAGGAGAAGAGCCTGGAAAAAGCTGTGGCTACAGCGTT[C>T]GATTTGAGTCTATACTTCCTCGTCCTCATGCCAGTATAATGTTTTGTACTGTAGGTCAGT-3'

ClinVar aggregate classification (germline): Pathogenic (1 of 4 stars; one submission).

Submission:

GeneDx
Classification: Pathogenic. Last evaluated: 2026-09-17. Review status: criteria provided, single submitter. Criteria: GeneDx Variant Classification Process June 2021. Collection method: clinical testing. Allele origin: germline.
Comment: Nonsense variant predicted to result in protein truncation or nonsense mediated decay in a gene for which loss of function is a known mechanism of disease; Not observed at significant frequency in large population cohorts (gnomAD); Has not been previously published as pathogenic or benign to our knowledge; This variant is associated with the following publications: (PMID: 27535533)